The following is an entry in ClinVar:

ClinVar aggregate classification (germline): Uncertain significance. Review status: criteria provided, multiple submitters, no conflicts (2 of 4 stars). 4 submissions from 4 submitters: Uncertain significance (4). Last evaluated 2025-09-05.

Conditions:
Inborn genetic diseases. Identifiers: MedGen C0950123, MeSH D030342.
Infantile nephronophthisis (NPHP2). Also called: Nephronophthisis 2; Nephronophthisis 2, infantile. Identifiers: Orphanet 655, Orphanet 93591, MedGen C1865872, MONDO:0011190, OMIM 602088.
Nephronophthisis. Also called: Juvenile Nephronophthisis. Identifiers: Orphanet 655, MedGen C0687120, MONDO:0019005, HP:0000090.

Allele frequency attached by ClinVar (database versions not stated): ExAC 0.00001; gnomAD 0.00001; gnomAD exomes 0.00001; TOPMed 0.00001.
gnomAD v4.1: 7 of 1,613,302 alleles (0.00043%); highest among the groups gnomAD compares: Non-Finnish European, 0.00059%; no homozygotes.

Submissions (4):

Ambry Genetics
Classification: Uncertain significance for Inborn genetic diseases. Last evaluated: 2025-09-05. Review status: criteria provided, single submitter. Criteria: Ambry Variant Classification Scheme 2023. Collection method: clinical testing. Allele origin: germline.

Blueprint Genetics
Classification: Uncertain significance. Last evaluated: 2023-08-31. Review status: criteria provided, single submitter. Criteria: ACMG Guidelines, 2015. Collection method: clinical testing. Allele origin: germline.

Labcorp Genetics (formerly Invitae), Labcorp
Classification: Uncertain significance for Nephronophthisis. Last evaluated: 2021-08-31. Review status: criteria provided, single submitter. Criteria: Invitae Variant Classification Sherloc (09022015). Collection method: clinical testing. Allele origin: germline.
Comment: This sequence change replaces arginine with lysine at codon 905 of the INVS protein (p.Arg905Lys). The arginine residue is moderately conserved and there is a small physicochemical difference between arginine and lysine. This variant is present in population databases (rs753100317, ExAC 0.002%). This variant has not been reported in the literature in individuals affected with INVS-related conditions. ClinVar contains an entry for this variant (Variation ID: 913027). Algorithms developed to predict the effect of missense changes on protein structure and function output the following: SIFT: "Tolerated"; PolyPhen-2: "Benign"; Align-GVGD: "Class C0". The lysine amino acid residue is found in multiple mammalian species, which suggests that this missense change does not adversely affect protein function. In summary, the available evidence is currently insufficient to determine the role of this variant in disease. Therefore, it has been classified as a Variant of Uncertain Significance.

Illumina Laboratory Services, Illumina
Classification: Uncertain significance for Infantile nephronophthisis. Last evaluated: 2018-01-13. Review status: criteria provided, single submitter. Criteria: ICSL Variant Classification Criteria 13 December 2019. Collection method: clinical testing. Allele origin: germline.

NM_014425.5(INVS):c.2714G>A (p.Arg905Lys)

Gene: INVS (inversin; plus strand). Cytogenetic location: 9q31.1.
Variant type: single nucleotide variant.
Coding change: c.2714G>A on transcript NM_014425.5 (MANE Select); coding-DNA position 2714, G replaced by A.
Protein change: p.Arg905Lys; replaces arginine 905 with lysine.
Molecular consequence: missense variant. On other transcripts: non-coding transcript variant (1).
Genome position (GRCh38, 1-based): chr9:100,292,971, G>A. VCF-style: chr9-100292971-G-A. GRCh37 (hg19) VCF-style: chr9-103055253-G-A.
Other names: c.2714G>A (NM_014425.2); c.2426G>A, p.Arg809Lys (NM_001318381.2); c.1736G>A, p.Arg579Lys (NM_001318382.2); short protein forms R809K, R905K, R579K.
Identifiers: ClinVar variation 913027 (VCV000913027.11), dbSNP rs753100317, ClinGen allele CA5158680.